The following is an entry in ClinVar:

NM_016148.5(SHANK1):c.669C>T (p.Thr223=)

Gene: SHANK1 (SH3 and multiple ankyrin repeat domains 1; minus strand). Cytogenetic location: 19q13.33.
Variant type: single nucleotide variant.
Coding change: c.669C>T on transcript NM_016148.5 (MANE Select); coding-DNA position 669, C replaced by T.
Protein change: p.Thr223=; no amino-acid change (threonine 223 retained).
Molecular consequence: synonymous variant.
Genome position (GRCh38, 1-based): chr19:50,713,921, G>A on the plus strand (C>T on the coding strand, the complement: SHANK1 is on the minus strand). VCF-style: chr19-50713921-G-A. GRCh37 (hg19) VCF-style: chr19-51217178-G-A.
Identifiers: ClinVar variation 719251 (VCV000719251.6), dbSNP rs3745531, ClinGen allele CA9602097.
Genomic context (GRCh38, chr19:50,713,921, plus strand): 5'-CCGGAAGTCAATGTGGGCCCCGCCCAGGCACAGGGTTCGAATCACCTCTACAGAGCCTTC[G>A]GTCTGGGCCGCCAGTGTCAAGGGGGTCTCTGAAGGGCGGGAAAAGCTGGTCACATGAAGC-3'
Protein context (NP_057232.2, residues 213-233): GETPLTLAAQ[Thr223=]EGSVEVIRTL

ClinVar aggregate classification (germline): Benign/Likely benign. Review status: criteria provided, multiple submitters, no conflicts (2 of 4 stars). 3 submissions from 3 submitters: Benign (1); Likely benign (1). 1 of the submissions does not count toward it. Last evaluated 2024-11-27.

Conditions:
SHANK1-related disorder. Also called: SHANK1-related condition.

Allele frequency attached by ClinVar (database versions not stated): gnomAD 0.00067; gnomAD exomes 0.00112 and 0.00127; ExAC 0.00133; TOPMed 0.00147; 1000 Genomes Project 30x 0.00375; 1000 Genomes Project 0.00439.
gnomAD v4.1: 1,741 of 1,613,758 alleles (0.11%); highest among the groups gnomAD compares: East Asian, 3.6%; 37 homozygotes.

Submissions (3):

Blueprint Genetics
Classification: Likely benign. Last evaluated: 2024-11-27. Review status: criteria provided, single submitter. Criteria: ACMG Guidelines, 2015. Collection method: clinical testing. Allele origin: germline.

Labcorp Genetics (formerly Invitae), Labcorp
Classification: Benign. Last evaluated: 2018-03-29. Review status: criteria provided, single submitter. Criteria: Invitae Variant Classification Sherloc (09022015). Collection method: clinical testing. Allele origin: germline.

PreventionGenetics, part of Exact Sciences
Classification: Benign for SHANK1-related condition. Last evaluated: 2019-02-22. Review status: no assertion criteria provided. Collection method: clinical testing. Allele origin: germline. Not counted in ClinVar's aggregate classification.
Comment: This variant is classified as benign based on ACMG/AMP sequence variant interpretation guidelines (Richards et al. 2015 PMID: 25741868, with internal and published modifications).